The following is an entry in ClinVar:

NM_004655.4(AXIN2):c.1637G>A (p.Gly546Asp)

Gene: AXIN2 (axin 2; minus strand). Cytogenetic location: 17q24.1.
Variant type: single nucleotide variant.
Coding change: c.1637G>A on transcript NM_004655.4 (MANE Select); coding-DNA position 1637, G replaced by A.
Protein change: p.Gly546Asp; replaces glycine 546 with aspartic acid.
Molecular consequence: missense variant.
Genome position (GRCh38, 1-based): chr17:65,537,399, C>T on the plus strand (G>A on the coding strand, the complement: AXIN2 is on the minus strand). VCF-style: chr17-65537399-C-T. GRCh37 (hg19) VCF-style: chr17-63533517-C-T.
Other names: c.1637G>A (LRG_296t1); c.1637G>A, p.Gly546Asp (NM_001363813.1); short protein forms G546D.
Identifiers: ClinVar variation 514111 (VCV000514111.12), dbSNP rs145717795, ClinGen allele CA8718588.
Genomic context (GRCh38, chr17:65,537,399, plus strand): 5'-GGCATGGTTTCCGGAGCCTTGGAGTGGCTTTTGCATTTCGAGTAGCAGTAATACTCGCTG[C>T]CCCCAGGGCAGAAGCAGTGCACCCGCTGCGTGGCCTCCGCCTCGATCTCCTCCTTGGTCT-3'
Protein context (NP_004646.3, residues 536-556): TQRVHCFCPG[Gly546Asp]SEYYCYSKCK

ClinVar aggregate classification (germline): Conflicting classifications of pathogenicity. Review status: criteria provided, conflicting classifications (1 of 4 stars). 3 submissions from 3 submitters: Uncertain significance (2); Likely benign (1). Last evaluated 2025-01-12.

Conditions:
Oligodontia-cancer predisposition syndrome. Also called: TOOTH AGENESIS-COLORECTAL CANCER SYNDROME. Identifiers: Orphanet 300576, MedGen C1837750, MONDO:0012075, OMIM 608615. Disease mechanism: loss of function.
Hereditary cancer-predisposing syndrome. Also called: Hereditary Cancer Syndrome; Neoplastic Syndromes, Hereditary; Tumor predisposition; Hereditary neoplastic syndrome. Identifiers: Orphanet 140162, MedGen C0027672, MeSH D009386, MONDO:0015356.

gnomAD v4.1: 4 of 1,614,032 alleles (0.00025%); highest among the groups gnomAD compares: South Asian, 0.0044%; no homozygotes.

Submissions (3):

Labcorp Genetics (formerly Invitae), Labcorp
Classification: Uncertain significance for Oligodontia-cancer predisposition syndrome. Last evaluated: 2025-01-12. Review status: criteria provided, single submitter. Criteria: Invitae Variant Classification Sherloc (09022015). Collection method: clinical testing. Allele origin: germline.
Comment: This sequence change replaces glycine, which is neutral and non-polar, with aspartic acid, which is acidic and polar, at codon 546 of the AXIN2 protein (p.Gly546Asp). This variant is present in population databases (rs145717795, gnomAD 0.006%). This variant has not been reported in the literature in individuals affected with AXIN2-related conditions. ClinVar contains an entry for this variant (Variation ID: 514111). Invitae Evidence Modeling of protein sequence and biophysical properties (such as structural, functional, and spatial information, amino acid conservation, physicochemical variation, residue mobility, and thermodynamic stability) indicates that this missense variant is not expected to disrupt AXIN2 protein function with a negative predictive value of 80%. In summary, the available evidence is currently insufficient to determine the role of this variant in disease. Therefore, it has been classified as a Variant of Uncertain Significance.

Ambry Genetics
Classification: Uncertain significance for Hereditary cancer-predisposing syndrome. Last evaluated: 2023-06-14. Review status: criteria provided, single submitter. Criteria: Ambry Variant Classification Scheme 2023. Collection method: clinical testing. Allele origin: germline.
Comment: The p.G546D variant (also known as c.1637G>A), located in coding exon 5 of the AXIN2 gene, results from a G to A substitution at nucleotide position 1637. The glycine at codon 546 is replaced by aspartic acid, an amino acid with similar properties. This amino acid position is not well conserved in available vertebrate species. In addition, this alteration is predicted to be tolerated by in silico analysis. Since supporting evidence is limited at this time, the clinical significance of this alteration remains unclear.

GeneDx
Classification: Likely benign. Last evaluated: 2017-12-11. Review status: criteria provided, single submitter. Criteria: GeneDx Variant Classification (06012015). Collection method: clinical testing. Allele origin: germline. Affected: yes.
Comment: This variant is considered likely benign or benign based on one or more of the following criteria: it is a conservative change, it occurs at a poorly conserved position in the protein, it is predicted to be benign by multiple in silico algorithms, and/or has population frequency not consistent with disease.